The following is an entry in ClinVar:

NM_178161.3(PTF1A):c.*15G>A

Gene: PTF1A (pancreas associated transcription factor 1a; plus strand). Cytogenetic location: 10p12.2.
Variant type: single nucleotide variant.
Coding change: c.*15G>A on transcript NM_178161.3 (MANE Select); 15 bases downstream of the stop codon, G replaced by A.
Molecular consequence: 3 prime UTR variant.
Genome position (GRCh38, 1-based): chr10:23,193,921, G>A. VCF-style: chr10-23193921-G-A. GRCh37 (hg19) VCF-style: chr10-23482850-G-A.
Identifiers: ClinVar variation 299628 (VCV000299628.11), dbSNP rs10828415, ClinGen allele CA5438664.

ClinVar aggregate classification (germline): Benign/Likely benign. Review status: criteria provided, multiple submitters, no conflicts (2 of 4 stars). 6 submissions from 5 submitters: Benign (5); Likely benign (1). Last evaluated 2024-11-27.

Conditions:
Permanent neonatal diabetes mellitus-pancreatic and cerebellar agenesis syndrome. Also called: PANCREATIC AND CEREBELLAR AGENESIS. Identifiers: Orphanet 65288, MedGen C1836780, MONDO:0012192, OMIM 609069.
Pancreatic agenesis 2 (PAGEN2). Also called: PANCREATIC HYPOPLASIA, CONGENITAL 2. Identifiers: Orphanet 2805, MedGen C4014737, MONDO:0014406, OMIM 615935.

Allele frequency attached by ClinVar (database versions not stated): gnomAD 0.08608 and 0.09455; TOPMed 0.10461; ExAC 0.12766; gnomAD exomes 0.13483 and 0.07416; 1000 Genomes Project 30x 0.20550; 1000 Genomes Project 0.21286; ESP Exome Variant Server 0.05859.

Submissions (6):

Blueprint Genetics
Classification: Likely benign. Last evaluated: 2024-11-27. Review status: criteria provided, single submitter. Criteria: ACMG Guidelines, 2015. Collection method: clinical testing. Allele origin: germline.

Genome-Nilou Lab
Classification: Benign for Pancreatic agenesis 2. Last evaluated: 2021-11-07. Review status: criteria provided, single submitter. Criteria: ACMG Guidelines, 2015. Collection method: clinical testing. Allele origin: germline. Affected: no.

Genome-Nilou Lab
Classification: Benign for Permanent neonatal diabetes mellitus-pancreatic and cerebellar agenesis syndrome. Last evaluated: 2021-11-07. Review status: criteria provided, single submitter. Criteria: ACMG Guidelines, 2015. Collection method: clinical testing. Allele origin: germline. Affected: no.

GeneDx
Classification: Benign. Last evaluated: 2018-11-12. Review status: criteria provided, single submitter. Criteria: GeneDx Variant Classification Process June 2021. Collection method: clinical testing. Allele origin: germline. Affected: yes.

Illumina Laboratory Services, Illumina
Classification: Benign for Permanent neonatal diabetes mellitus-pancreatic and cerebellar agenesis syndrome. Last evaluated: 2018-01-13. Review status: criteria provided, single submitter. Criteria: ICSL Variant Classification Criteria 13 December 2019. Collection method: clinical testing. Allele origin: germline.
Comment: This variant was observed in the ICSL laboratory as part of a predisposition screen in an ostensibly healthy population. It had not been previously curated by ICSL or reported in the Human Gene Mutation Database (HGMD: prior to June 1st, 2018), and was therefore a candidate for classification through an automated scoring system. Utilizing variant allele frequency, disease prevalence and penetrance estimates, and inheritance mode, an automated score was calculated to assess if this variant is too frequent to cause the disease. Based on the score and internal cut-off values, a variant classified as benign is not then subjected to further curation. The score for this variant resulted in a classification of benign for this disease.

Breakthrough Genomics
Classification: Benign. Review status: criteria provided, single submitter. Criteria: ACMG Guidelines, 2015. Collection method: not provided. Allele origin: germline. Inheritance: Autosomal recessive inheritance. Affected: yes.